The following is an entry in ClinVar:

ClinVar aggregate classification (germline): Uncertain significance. Review status: criteria provided, multiple submitters, no conflicts (2 of 4 stars). 2 submissions from 2 submitters: Uncertain significance (2). Last evaluated 2023-12-11.

Allele frequency attached by ClinVar (database versions not stated): gnomAD 0.00002; gnomAD exomes 0.00002; ExAC 0.00003; TOPMed 0.00003.
gnomAD v4.1: 32 of 1,613,468 alleles (0.002%); highest among the groups gnomAD compares: Middle Eastern, 0.016%; no homozygotes.

Submissions (2):

Labcorp Genetics (formerly Invitae), Labcorp
Classification: Uncertain significance. Last evaluated: 2023-12-11. Review status: criteria provided, single submitter. Criteria: Invitae Variant Classification Sherloc (09022015). Collection method: clinical testing. Allele origin: germline.
Comment: This sequence change replaces isoleucine, which is neutral and non-polar, with valine, which is neutral and non-polar, at codon 280 of the ARHGEF18 protein (p.Ile280Val). This variant is present in population databases (rs752122115, gnomAD 0.006%). This variant has not been reported in the literature in individuals affected with ARHGEF18-related conditions. ClinVar contains an entry for this variant (Variation ID: 845994). An algorithm developed to predict the effect of missense changes on protein structure and function (PolyPhen-2) suggests that this variant is likely to be disruptive. In summary, the available evidence is currently insufficient to determine the role of this variant in disease. Therefore, it has been classified as a Variant of Uncertain Significance.

Blueprint Genetics
Classification: Uncertain significance. Last evaluated: 2023-11-01. Review status: criteria provided, single submitter. Criteria: ACMG Guidelines, 2015. Collection method: clinical testing. Allele origin: germline.

NM_001367823.1(ARHGEF18):c.1402A>G (p.Ile468Val)

Gene: ARHGEF18 (Rho/Rac guanine nucleotide exchange factor 18; plus strand). Cytogenetic location: 19p13.2.
Variant type: single nucleotide variant.
Coding change: c.1402A>G on transcript NM_001367823.1 (MANE Select); coding-DNA position 1402, A replaced by G.
Protein change: p.Ile468Val; replaces isoleucine 468 with valine.
Molecular consequence: missense variant.
Genome position (GRCh38, 1-based): chr19:7,444,245, A>G. VCF-style: chr19-7444245-A-G. GRCh37 (hg19) VCF-style: chr19-7509131-A-G.
Other names: c.676A>G, p.Ile226Val (NM_001130955.2); c.364A>G, p.Ile122Val (NM_001367824.1, NM_015318.4); short protein forms I122V, I468V, I226V.
Identifiers: ClinVar variation 845994 (VCV000845994.7), dbSNP rs752122115, ClinGen allele CA9136470.